The following is an entry in ClinVar:

NM_001267550.2(TTN):c.2807T>C (p.Val936Ala)

Gene: TTN (titin; minus strand). Cytogenetic location: 2q31.2.
Variant type: single nucleotide variant.
Coding change: c.2807T>C on transcript NM_001267550.2 (MANE Select); coding-DNA position 2807, T replaced by C.
Protein change: p.Val936Ala; replaces valine 936 with alanine.
Molecular consequence: missense variant.
Genome position (GRCh38, 1-based): chr2:178,783,754, A>G on the plus strand (T>C on the coding strand, the complement: TTN is on the minus strand). VCF-style: chr2-178783754-A-G. GRCh37 (hg19) VCF-style: chr2-179648481-A-G.
Other names: c.2807T>C, p.Val936Ala (NM_133378.4, NM_001256850.1, NM_133379.5); c.2669T>C, p.Val890Ala (NM_003319.4, NM_133432.3, NM_133437.4); short protein forms V936A, V890A.
Identifiers: ClinVar variation 228080 (VCV000228080.5), dbSNP rs139567470, ClinGen allele CA10576579.
Genomic context (GRCh38, chr2:178,783,754, plus strand): 5'-CCAGCATTATCAACTTCTTTACTCACCGAGACCAAAGTTGGTGGAGTAACAGGAATTTCA[A>G]CAGGTGCTGGTACTCTTGCTGTTTCTGTTACCTAGATTTTTACAAATTATATTACAAAAT-3'
Protein context (NP_001254479.2, residues 926-946): VTETARVPAP[Val936Ala]EIPVTPPTLV

ClinVar aggregate classification (germline): Likely benign (1 of 4 stars; one submission).

Allele frequency attached by ClinVar (database versions not stated): gnomAD 0.00001; TOPMed 0.00001; ESP Exome Variant Server 0.00008; gnomAD exomes below 0.00001.
gnomAD v4.1: 6 of 1,613,550 alleles (0.00037%); highest among the groups gnomAD compares: African/African-American, 0.0053%; no homozygotes.

Submission:

Laboratory for Molecular Medicine, Mass General Brigham Personalized Medicine
Classification: Likely benign. Last evaluated: 2015-04-08. Review status: criteria provided, single submitter. Criteria: LMM Criteria. Collection method: clinical testing. Allele origin: germline. Observed: 1 variant allele.
Comment: p.Val936Ala in exon 17 of TTN: This variant is not expected to have clinical sig nificance due to a lack of conservation across species, including mammals. Of no te, >15 mammals have an alanine (Ala) at this position despite high nearby amino acid conservation. In addition, it has been identified in 1/4406 African Americ an chromosomes by the NHLBI Exome Sequencing Project (du/EVS/; dbSNP rs139567470).